The following is an entry in ClinVar:

ClinVar aggregate classification (germline): Likely benign. Review status: criteria provided, multiple submitters, no conflicts (2 of 4 stars). 2 submissions from 2 submitters: Likely benign (2). Last evaluated 2024-10-17.

Conditions:
Hereditary leiomyomatosis and renal cell cancer. Also called: MULTIPLE CUTANEOUS AND UTERINE LEIOMYOMATA 1, WITH OR WITHOUT RENAL CELL CARCINOMA; LEIOMYOMA, MULTIPLE CUTANEOUS; Reed syndrome; Multiple cutaneous and uterine leiomyomatosis; Cutaneous leiomyomata with uterine leiomyomata; Leiomyoma, hereditary multiple, of skin. Identifiers: Orphanet 523, MedGen C1708350, MONDO:0007888, OMIM 150800, HP:0007437. Disease mechanism: loss of function.

Submissions (2):

Myriad Genetics, Inc.
Classification: Likely benign for Hereditary leiomyomatosis and renal cell cancer. Last evaluated: 2024-10-17. Review status: criteria provided, single submitter. Criteria: Myriad Autosomal Dominant, Autosomal Recessive and X-Linked Classification Criteria (2023). Collection method: clinical testing. Allele origin: unknown.
Comment: This variant is considered likely benign. This variant is intronic and is not expected to impact mRNA splicing.

Labcorp Genetics (formerly Invitae), Labcorp
Classification: Likely benign. Last evaluated: 2024-09-05. Review status: criteria provided, single submitter. Criteria: Invitae Variant Classification Sherloc (09022015). Collection method: clinical testing. Allele origin: germline.

NM_000143.4(FH):c.267+10del

Gene: FH (fumarate hydratase; minus strand). Cytogenetic location: 1q43.
Variant type: Deletion.
Coding change: c.267+10del on transcript NM_000143.4 (MANE Select); 10 bases into the intron after coding-DNA position 267, one base deleted (A; older notation c.267+10delA).
Molecular consequence: intron variant.
Genome position (GRCh38, 1-based): chr1:241,517,172, T deleted on the plus strand (A on the coding strand, the reverse complement: FH is on the minus strand). VCF-style (leftmost placement, unchanged base first): chr1-241517171-AT-A. GRCh37 (hg19) VCF-style: chr1-241680471-AT-A.
Identifiers: ClinVar variation 3664475 (VCV003664475.3).